The following is an entry in ClinVar:

NM_130783.5(TSPAN18):c.585C>T (p.Leu195=)

Gene: TSPAN18 (tetraspanin 18; plus strand). Cytogenetic location: 11p11.2.
Variant type: single nucleotide variant.
Coding change: c.585C>T on transcript NM_130783.5 (MANE Select); coding-DNA position 585, C replaced by T.
Protein change: p.Leu195=; no amino-acid change (leucine 195 retained).
Molecular consequence: synonymous variant.
Genome position (GRCh38, 1-based): chr11:44,919,969, C>T. VCF-style: chr11-44919969-C-T. GRCh37 (hg19) VCF-style: chr11-44941520-C-T.
Identifiers: ClinVar variation 3035169 (VCV003035169.2), dbSNP rs200276331, ClinGen allele CA5956514.
Genomic context (GRCh38, chr11:44,919,969, plus strand): 5'-CTGCTGCCGGAGGGAACCCCAAAGTCGGGACGGGGTCCTGCTGAGCCGGGAGGAGTGCCT[C>T]CTGGGAAGGAGCCTATTCCTAAACAAGCAGGTACTGGCCCTGCTCTCCAGACAGGGGAGT-3'
Protein context (NP_570139.3, residues 185-205): DGVLLSREEC[Leu195=]LGRSLFLNKQ

ClinVar aggregate classification (germline): Benign (0 of 4 stars; one submission).

Conditions:
TSPAN18-related disorder. Also called: TSPAN18-related condition.

Allele frequency attached by ClinVar (database versions not stated): gnomAD exomes 0.00023; ExAC 0.00028; gnomAD 0.00029; TOPMed 0.00029; ESP Exome Variant Server 0.00038.
gnomAD v4.1: 404 of 1,613,812 alleles (0.025%); highest among the groups gnomAD compares: South Asian, 0.037%; 3 homozygotes.

Submission:

PreventionGenetics, part of Exact Sciences
Classification: Benign for TSPAN18-related condition. Last evaluated: 2019-08-08. Review status: no assertion criteria provided. Collection method: clinical testing. Allele origin: germline.
Comment: This variant is classified as benign based on ACMG/AMP sequence variant interpretation guidelines (Richards et al. 2015 PMID: 25741868, with internal and published modifications).